The following is an entry in ClinVar:

NM_207346.3(TSEN54):c.61C>T (p.Arg21Trp)

Genes: TSEN54 (tRNA splicing endonuclease subunit 54; plus strand), LOC112533671 (Sharpr-MPRA regulatory region 12010; plus strand). Cytogenetic location: 17q25.1.
Variant type: single nucleotide variant.
Coding change: c.61C>T on transcript NM_207346.3 (MANE Select); coding-DNA position 61, C replaced by T.
Protein change: p.Arg21Trp; replaces arginine 21 with tryptophan.
Molecular consequence: missense variant.
Genome position (GRCh38, 1-based): chr17:75,516,750, C>T. VCF-style: chr17-75516750-C-T. GRCh37 (hg19) VCF-style: chr17-73512831-C-T.
Other names: short protein forms R21W.
Identifiers: ClinVar variation 1723550 (VCV001723550.2), dbSNP rs746901639, ClinGen allele CA8763963.
Genomic context (GRCh38, chr17:75,516,750, plus strand): 5'-CCCGGCCAGGCGGCCCCCGATGCGCGGCGCTGACCCCGCGTCCCCTTCTCCCCCAGCGCC[C>T]GGGAGCTCTTCGCCGCCCGCTCGCGGTCGCAGAAGCTGCCCCAGCGCTCGCATGGCCCCA-3'
Protein context (NP_997229.2, residues 11-31): EVPAGRVLSA[Arg21Trp]ELFAARSRSQ

ClinVar aggregate classification (germline): Uncertain significance (1 of 4 stars; one submission).

Submission:

GeneDx
Classification: Uncertain significance. Last evaluated: 2022-05-13. Review status: criteria provided, single submitter. Criteria: GeneDx Variant Classification Process June 2021. Collection method: clinical testing. Allele origin: germline. Affected: yes.
Comment: In silico analysis supports that this missense variant does not alter protein structure/function; Has not been previously published as pathogenic or benign to our knowledge